The following is an entry in ClinVar:

ClinVar aggregate classification (germline): Uncertain significance (1 of 4 stars; one submission).

Conditions:
GM1 gangliosidosis. Identifiers: Orphanet 354, MedGen C0085131, MONDO:0018149.
Mucopolysaccharidosis, MPS-IV-B (MPS4B). Also called: MORQUIO SYNDROME B; Mucopolysaccharidosis type IVB (Morquio); MPS IVB; Mucopolysaccharidosis type IV B; Mucopolysaccharidosis Type IVB; Mucopolysaccharidosis type 4B. Identifiers: Orphanet 309310, Orphanet 582, MedGen C0086652, MONDO:0009660, OMIM 253010.

gnomAD v4.1: 1 of 1,614,156 alleles (0.000062%); highest among the groups gnomAD compares: Non-Finnish European, 0.000085%; no homozygotes.

Submission:

Labcorp Genetics (formerly Invitae), Labcorp
Classification: Uncertain significance for Mucopolysaccharidosis, MPS-IV-B; GM1 gangliosidosis. Last evaluated: 2025-02-11. Review status: criteria provided, single submitter. Criteria: Invitae Variant Classification Sherloc (09022015). Collection method: clinical testing. Allele origin: germline.
Comment: This sequence change replaces lysine, which is basic and polar, with arginine, which is basic and polar, at codon 43 of the GLB1 protein (p.Lys43Arg). This variant is not present in population databases (gnomAD no frequency). This variant has not been reported in the literature in individuals affected with GLB1-related conditions. Invitae Evidence Modeling of protein sequence and biophysical properties (such as structural, functional, and spatial information, amino acid conservation, physicochemical variation, residue mobility, and thermodynamic stability) indicates that this missense variant is expected to disrupt GLB1 protein function with a positive predictive value of 95%. Algorithms developed to predict the effect of sequence changes on RNA splicing suggest that this variant may create or strengthen a splice site. In summary, the available evidence is currently insufficient to determine the role of this variant in disease. Therefore, it has been classified as a Variant of Uncertain Significance.

NM_000404.4(GLB1):c.128A>G (p.Lys43Arg)

Gene: GLB1 (galactosidase beta 1; minus strand). Cytogenetic location: 3p22.3.
Variant type: single nucleotide variant.
Coding change: c.128A>G on transcript NM_000404.4 (MANE Select); coding-DNA position 128, A replaced by G.
Protein change: p.Lys43Arg; replaces lysine 43 with arginine.
Molecular consequence: missense variant.
Genome position (GRCh38, 1-based): chr3:33,072,661, T>C on the plus strand (A>G on the coding strand, the complement: GLB1 is on the minus strand). VCF-style: chr3-33072661-T-C. GRCh37 (hg19) VCF-style: chr3-33114153-T-C.
Other names: c.38A>G, p.Lys13Arg (NM_001079811.3); c.128A>G, p.Lys43Arg (NM_001135602.3, NM_001393580.1); c.272A>G, p.Lys91Arg (NM_001317040.2); short protein forms K43R, K91R, K13R.
Identifiers: ClinVar variation 4788536 (VCV004788536.1).